The following is an entry in ClinVar:

ClinVar aggregate classification (germline): Likely pathogenic (1 of 4 stars; one submission).

Conditions:
Deficiency of steroid 17-alpha-monooxygenase. Also called: ADRENAL HYPERPLASIA V; 17-ALPHA-HYDROXYLASE DEFICIENCY; Congenital adrenal hyperplasia due to 17-alpha-hydroxylase deficiency; Congenital adrenal hyperplasia type 5; 17-alpha-hydroxylase/17,20-lyase deficiency. Identifiers: Orphanet 90793, MedGen C0268285, MONDO:0008730, OMIM 202110.

Submission:

Natera, Inc.
Classification: Likely pathogenic for Deficiency of steroid 17-alpha-monooxygenase. Last evaluated: 2025-09-25. Review status: criteria provided, single submitter. Criteria: Natera Variant Classification Schema (03/2026). Collection method: clinical testing. Allele origin: germline.
Comment: The c.331G>A variant in CYP17A1 is a missense variant predicted to cause substitution of glycine to serine at amino acid 111. This variant is rare in the general population with a frequency below the threshold expected for the associated phenotype(s). This variant has been observed in one or more individuals affected with the associated recessive disease, as either homozygous or compound heterozygous with a second variant (PMID: 20197673, 37586839). Functional studies show that this variant may disrupt protein function (PMID: 20197673). Computational prediction algorithms indicate this variant is likely to affect gene or protein function. Given the available evidence, this variant is classified as Likely Pathogenic.

Literature cited by the submitters: PubMed 20197673; PubMed 37586839.

NM_000102.4(CYP17A1):c.331G>A (p.Gly111Ser)

Gene: CYP17A1 (cytochrome P450 family 17 subfamily A member 1; minus strand). Cytogenetic location: 10q24.32.
Variant type: single nucleotide variant.
Coding change: c.331G>A on transcript NM_000102.4 (MANE Select); coding-DNA position 331, G replaced by A.
Protein change: p.Gly111Ser; replaces glycine 111 with serine.
Molecular consequence: missense variant.
Genome position (GRCh38, 1-based): chr10:102,835,359, C>T on the plus strand (G>A on the coding strand, the complement: CYP17A1 is on the minus strand). VCF-style: chr10-102835359-C-T. GRCh37 (hg19) VCF-style: chr10-104595116-C-T.
Other names: short protein forms G111S.
Identifiers: ClinVar variation 4817438 (VCV004817438.1).